The following is an entry in ClinVar:

NC_012920.1(MT-CO1):m.7332G>A

Gene: MT-CO1 (mitochondrially encoded cytochrome c oxidase I; plus strand).
Variant type: single nucleotide variant.
Genome position: chrM-7332-G-A.
Identifiers: ClinVar variation 692733 (VCV000692733.1), dbSNP rs1603220889, ClinGen allele CA414792439.
Genomic context (GRCh38, chrMT:7,332, plus strand): 5'-GGCTCATTCATTTCTCTAACAGCAGTAATATTAATAATTTTCATGATTTGAGAAGCCTTC[G>A]CTTCGAAGCGAAAAGTCCTAATAGTAGAAGAACCCTCCATAAACCTGGAGTGACTATATG-3'

ClinVar aggregate classification (germline): Uncertain significance (1 of 4 stars; one submission).

Conditions:
Leigh syndrome (NULS). Also called: Leigh's necrotizing encephalopathy; Leigh's disease; Leigh Syndrome (mtDNA deletion); Leigh Disease; Subacute necrotizing encephalopathy; Necrotizing encephalopathy infantile subacute of Leigh. Identifiers: Orphanet 506, MedGen C2931891, MONDO:0009723, OMIM 256000.

Submission:

Wong Mito Lab, Molecular and Human Genetics, Baylor College of Medicine
Classification: Uncertain significance for Leigh syndrome. Last evaluated: 2019-10-17. Review status: criteria provided, single submitter. Criteria: Modified ACMG Guidelines (Unpublished). Collection method: clinical testing. Allele origin: germline.
Comment: The NC_012920.1:m.7332G>A (YP_003024028.1:p.Ala477Thr) variant in MTCO1 gene is interpretated to be a Uncertain Significance variant based on the modified ACMG guidelines (unpublished). This variant meets the following evidence codes: PP7, BP4